The following is an entry in ClinVar:

ClinVar aggregate classification (germline): Conflicting classifications of pathogenicity. Review status: criteria provided, conflicting classifications (1 of 4 stars). 3 submissions from 3 submitters: Uncertain significance (2); Likely benign (1). Last evaluated 2026-03-03.

Conditions:
RYR1-related disorder. Also called: RYR1-related disorders; RYR1-related condition. Identifiers: MedGen CN239331.
Malignant hyperthermia, susceptibility to, 1 (MHS1). Also called: Anesthesia related hyperthermia; Malignant hyperpyrexia; Fulminating hyperpyrexia; Pharmacogenic myopathy; RYR1-Related Malignant Hyperthermia Susceptibility; Malignant hyperthermia suceptibility 1. Identifiers: Orphanet 423, MedGen C2930980, MONDO:0007783, OMIM 145600.

Allele frequency attached by ClinVar (database versions not stated): gnomAD exomes below 0.00001 and 0.00001; gnomAD 0.00001.
gnomAD v4.1: 5 of 1,234,994 alleles (0.0004%); highest among the groups gnomAD compares: Non-Finnish European, 0.00054%; no homozygotes.

Submissions (3):

GeneDx
Classification: Uncertain significance. Last evaluated: 2026-03-03. Review status: criteria provided, single submitter. Criteria: GeneDx Variant Classification Process June 2021. Collection method: clinical testing. Allele origin: germline.
Comment: Reported in a study examining variants in mitochondrial-related genes and the association with liver dysfunction from the UK Biobank cohort; however clinical information, segregation data, or presence/absence of additional variants was not specified in this publication (PMID: 38862964); Not observed at significant frequency in large population cohorts (gnomAD); In silico analysis is inconclusive as to whether the variant alters gene splicing. In the absence of RNA/functional studies, the actual effect of this sequence change is unknown.; This variant is associated with the following publications: (PMID: 38862964)

Labcorp Genetics (formerly Invitae), Labcorp
Classification: Uncertain significance for RYR1-related disorder. Last evaluated: 2025-08-15. Review status: criteria provided, single submitter. Criteria: Invitae Variant Classification Sherloc (09022015). Collection method: clinical testing. Allele origin: germline.
Comment: This sequence change affects codon 2612 of the RYR1 mRNA. It is a 'silent' change, meaning that it does not change the encoded amino acid sequence of the RYR1 protein. It affects a nucleotide within the consensus splice site. This variant is present in population databases (no rsID available, gnomAD 0.002%). This variant has not been reported in the literature in individuals affected with RYR1-related conditions. ClinVar contains an entry for this variant (Variation ID: 1424685). Algorithms developed to predict the effect of sequence changes on RNA splicing suggest that this variant may disrupt the consensus splice site. In summary, the available evidence is currently insufficient to determine the role of this variant in disease. Therefore, it has been classified as a Variant of Uncertain Significance.

Color Diagnostics, LLC DBA Color Health
Classification: Likely benign for Malignant hyperthermia, susceptibility to, 1. Last evaluated: 2022-11-06. Review status: criteria provided, single submitter. Criteria: ACMG Guidelines, 2015. Collection method: clinical testing. Allele origin: germline.

NM_000540.3(RYR1):c.7834A>C (p.Arg2612=)

Gene: RYR1 (ryanodine receptor 1; plus strand). Cytogenetic location: 19q13.2.
Variant type: single nucleotide variant.
Coding change: c.7834A>C on transcript NM_000540.3 (MANE Select); coding-DNA position 7834, A replaced by C.
Protein change: p.Arg2612=; no amino-acid change (arginine 2612 retained).
Molecular consequence: synonymous variant.
Genome position (GRCh38, 1-based): chr19:38,502,726, A>C. VCF-style: chr19-38502726-A-C. GRCh37 (hg19) VCF-style: chr19-38993366-A-C.
Other names: c.7834A>C, p.Arg2612= (NM_001042723.2); c.7834A>C (NM_000540.2).
Identifiers: ClinVar variation 1424685 (VCV001424685.7), dbSNP rs1242518055, ClinGen allele CA507353950.
Genomic context (GRCh38, chr19:38,502,726, plus strand): 5'-GGTCGTTCGCTCACCAAGGCGCAGCGTGACGTCATCGAGGACTGCCTCATGTCGCTCTGC[A>C]GGTGGAGCGGGGCAGGCTTCAGGGTGGGGCAGGGGCAGGGGCAGGGGCAGGGGCAGGGGC-3'
Protein context (NP_000531.2, residues 2602-2622): VIEDCLMSLC[Arg2612=]YIRPSMLQHL